The following is an entry in ClinVar:

NM_004304.5(ALK):c.242A>G (p.Lys81Arg)

Gene: ALK (ALK receptor tyrosine kinase; minus strand). Cytogenetic location: 2p23.1.
Variant type: single nucleotide variant.
Coding change: c.242A>G on transcript NM_004304.5 (MANE Select); coding-DNA position 242, A replaced by G.
Protein change: p.Lys81Arg; replaces lysine 81 with arginine.
Molecular consequence: missense variant.
Genome position (GRCh38, 1-based): chr2:29,920,418, T>C on the plus strand (A>G on the coding strand, the complement: ALK is on the minus strand). VCF-style: chr2-29920418-T-C. GRCh37 (hg19) VCF-style: chr2-30143284-T-C.
Other names: short protein forms K81R.
Identifiers: ClinVar variation 2758436 (VCV002758436.3), dbSNP rs2148443645, ClinGen allele CA346590417.

ClinVar aggregate classification (germline): Uncertain significance (1 of 4 stars; one submission).

Conditions:
Neuroblastoma, susceptibility to, 3. Also called: ALK-Related Neuroblastic Tumor Susceptibility. Identifiers: Orphanet 635, MedGen C2751681, MONDO:0013083, OMIM 613014.

Submission:

Labcorp Genetics (formerly Invitae), Labcorp
Classification: Uncertain significance for Neuroblastoma, susceptibility to, 3. Last evaluated: 2023-09-06. Review status: criteria provided, single submitter. Criteria: Invitae Variant Classification Sherloc (09022015). Collection method: clinical testing. Allele origin: germline.
Comment: This variant has not been reported in the literature in individuals affected with ALK-related conditions. This variant is not present in population databases (gnomAD no frequency). This sequence change replaces lysine, which is basic and polar, with arginine, which is basic and polar, at codon 81 of the ALK protein (p.Lys81Arg). Algorithms developed to predict the effect of missense changes on protein structure and function output the following: SIFT: "Not Available"; PolyPhen-2: "Benign"; Align-GVGD: "Not Available". The arginine amino acid residue is found in multiple mammalian species, which suggests that this missense change does not adversely affect protein function. In summary, the available evidence is currently insufficient to determine the role of this variant in disease. Therefore, it has been classified as a Variant of Uncertain Significance.